The following is an entry in ClinVar:

ClinVar aggregate classification (germline): Likely benign. Review status: criteria provided, single submitter (1 of 4 stars). 2 submissions from 2 submitters: Likely benign (1). 1 of the submissions does not count toward it. Last evaluated 2023-05-18.

Conditions:
LEFTY2-related disorder. Also called: LEFTY2-related condition.
Left-right axis malformations. Identifiers: MedGen C1866091.

Allele frequency attached by ClinVar (database versions not stated): ExAC 0.00004; TOPMed 0.00009; gnomAD 0.00011; ESP Exome Variant Server 0.00015.
gnomAD v4.1: 46 of 1,611,400 alleles (0.0029%); highest among the groups gnomAD compares: African/African-American, 0.027%; no homozygotes.

Submissions (2):

Labcorp Genetics (formerly Invitae), Labcorp
Classification: Likely benign for Left-right axis malformations. Last evaluated: 2023-05-18. Review status: criteria provided, single submitter. Criteria: Invitae Variant Classification Sherloc (09022015). Collection method: clinical testing. Allele origin: germline.

PreventionGenetics, part of Exact Sciences
Classification: Likely benign for LEFTY2-related condition. Last evaluated: 2024-01-01. Review status: no assertion criteria provided. Collection method: clinical testing. Allele origin: germline. Not counted in ClinVar's aggregate classification.
Comment: This variant is classified as likely benign based on ACMG/AMP sequence variant interpretation guidelines (Richards et al. 2015 PMID: 25741868, with internal and published modifications).

NM_003240.5(LEFTY2):c.747C>T (p.Gly249=)

Gene: LEFTY2 (left-right determination factor 2; minus strand). Cytogenetic location: 1q42.12.
Variant type: single nucleotide variant.
Coding change: c.747C>T on transcript NM_003240.5 (MANE Select); coding-DNA position 747, C replaced by T.
Protein change: p.Gly249=; no amino-acid change (glycine 249 retained).
Molecular consequence: synonymous variant.
Genome position (GRCh38, 1-based): chr1:225,937,795, G>A on the plus strand (C>T on the coding strand, the complement: LEFTY2 is on the minus strand). VCF-style: chr1-225937795-G-A. GRCh37 (hg19) VCF-style: chr1-226125495-G-A.
Other names: c.645C>T, p.Gly215= (NM_001172425.3); c.747C>T (NM_003240.4).
Identifiers: ClinVar variation 2693020 (VCV002693020.5), dbSNP rs376643564, ClinGen allele CA1420486.